The following is an entry in ClinVar:

ClinVar aggregate classification (germline): Uncertain significance (1 of 4 stars; one submission).

Allele frequency attached by ClinVar (database versions not stated): gnomAD exomes 0.00001 and below 0.00001; ExAC 0.00002; TOPMed 0.00001.
gnomAD v4.1: 2 of 1,588,562 alleles (0.00013%); highest among the groups gnomAD compares: Admixed American, 0.0035%; no homozygotes.

Submission:

Labcorp Genetics (formerly Invitae), Labcorp
Classification: Uncertain significance. Last evaluated: 2023-08-25. Review status: criteria provided, single submitter. Criteria: Invitae Variant Classification Sherloc (09022015). Collection method: clinical testing. Allele origin: germline.
Comment: In summary, the available evidence is currently insufficient to determine the role of this variant in disease. Therefore, it has been classified as a Variant of Uncertain Significance. Experimental studies and prediction algorithms are not available or were not evaluated, and the functional significance of this variant is currently unknown. ClinVar contains an entry for this variant (Variation ID: 1503172). This variant has not been reported in the literature in individuals affected with TRAPPC9-related conditions. This variant is present in population databases (rs773807187, gnomAD 0.007%). This sequence change replaces aspartic acid, which is acidic and polar, with histidine, which is basic and polar, at codon 51 of the TRAPPC9 protein (p.Asp51His).

NM_031466.8(TRAPPC9):c.-144G>C

Gene: TRAPPC9 (trafficking protein particle complex subunit 9; minus strand). Cytogenetic location: 8q24.3.
Variant type: single nucleotide variant.
Coding change: c.-144G>C on transcript NM_031466.8; 144 bases upstream of the start codon, G replaced by C.
Molecular consequence: 5 prime UTR variant.
Genome position (GRCh38, 1-based): chr8:140,458,414, C>G on the plus strand (G>C on the coding strand, the complement: TRAPPC9 is on the minus strand). VCF-style: chr8-140458414-C-G. GRCh37 (hg19) VCF-style: chr8-141468513-C-G.
Identifiers: ClinVar variation 1503172 (VCV001503172.7), dbSNP rs773807187, ClinGen allele CA4893870.